The following is an entry in ClinVar:

ClinVar aggregate classification (germline): Uncertain significance (1 of 4 stars; one submission).

Submission:

GeneDx
Classification: Uncertain significance. Last evaluated: 2025-04-03. Review status: criteria provided, single submitter. Criteria: GeneDx Variant Classification Process June 2021. Collection method: clinical testing. Allele origin: germline. Affected: yes.
Comment: Not observed at significant frequency in large population cohorts (gnomAD); In silico analysis supports that this missense variant has a deleterious effect on protein structure/function; Has not been previously published as pathogenic or benign to our knowledge

NM_000038.6(APC):c.976G>A (p.Asp326Asn)

Gene: APC (APC regulator of Wnt signaling pathway; plus strand). Cytogenetic location: 5q22.2.
Variant type: single nucleotide variant.
Coding change: c.976G>A on transcript NM_000038.6 (MANE Select); coding-DNA position 976, G replaced by A.
Protein change: p.Asp326Asn; replaces aspartic acid 326 with asparagine.
Molecular consequence: missense variant. On other transcripts: non-coding transcript variant (2), intron variant (15).
Genome position (GRCh38, 1-based): chr5:112,819,008, G>A. VCF-style: chr5-112819008-G-A. GRCh37 (hg19) VCF-style: chr5-112154705-G-A.
Other names: c.976G>A, p.Asp326Asn (NM_001127510.3, NM_001354895.2, NM_001354896.2 and 4 more transcripts); c.922G>A, p.Asp308Asn (NM_001127511.3); c.1006G>A, p.Asp336Asn (NM_001354897.2, NM_001407446.1); c.901G>A, p.Asp301Asn (NM_001354898.2, NM_001407451.1); c.892G>A, p.Asp298Asn (NM_001354899.2, NM_001407452.1); c.799G>A, p.Asp267Asn (NM_001354900.2, NM_001354901.2, NM_001407453.1); c.127G>A, p.Asp43Asn (NM_001354906.2, NM_001407470.1); c.85-261G>A (NM_001407472.1, NM_001407471.1); and 5 more; short protein forms D267N, D298N, D301N, D308N, D326N, D336N, D43N.
Identifiers: ClinVar variation 4278906 (VCV004278906.1).
Genomic context (GRCh38, chr5:112,819,008, plus strand): 5'-AACTCATTTGGCCCACAGGTGGAAATGGTGTATTCATTGTTGTCAATGCTTGGTACTCAT[G>A]ATAAGGATGATATGTCGCGAACTTTGCTAGCTATGTCTAGCTCCCAAGACAGCTGTATAT-3'
Protein context (NP_000029.2, residues 316-336): YSLLSMLGTH[Asp326Asn]KDDMSRTLLA